The following is an entry in ClinVar:

ClinVar aggregate classification (germline): Uncertain significance. Review status: criteria provided, multiple submitters, no conflicts (2 of 4 stars). 3 submissions from 3 submitters: Uncertain significance (3). Last evaluated 2024-05-08.

Conditions:
Cranioectodermal dysplasia 1 (CED1). Also called: LEVIN SYNDROME I. Identifiers: Orphanet 1515, MedGen C0432235, MONDO:0021093, OMIM 218330.
Inborn genetic diseases. Identifiers: MedGen C0950123, MeSH D030342.

Allele frequency attached by ClinVar (database versions not stated): ExAC 0.00002; gnomAD 0.00004; gnomAD exomes 0.00007; TOPMed 0.00007.
gnomAD v4.1: 105 of 1,613,940 alleles (0.0065%); highest among the groups gnomAD compares: African/African-American, 0.012%; no homozygotes.

Submissions (3):

Fulgent Genetics
Classification: Uncertain significance for Cranioectodermal dysplasia 1. Last evaluated: 2024-05-08. Review status: criteria provided, single submitter. Criteria: ACMG Guidelines, 2015. Collection method: clinical testing. Allele origin: germline.

Ambry Genetics
Classification: Uncertain significance for Inborn genetic diseases. Last evaluated: 2023-05-04. Review status: criteria provided, single submitter. Criteria: Ambry Variant Classification Scheme 2023. Collection method: clinical testing. Allele origin: germline.

Labcorp Genetics (formerly Invitae), Labcorp
Classification: Uncertain significance for Cranioectodermal dysplasia 1. Last evaluated: 2022-02-11. Review status: criteria provided, single submitter. Criteria: Invitae Variant Classification Sherloc (09022015). Collection method: clinical testing. Allele origin: germline.
Comment: This sequence change replaces arginine, which is basic and polar, with glutamine, which is neutral and polar, at codon 516 of the IFT122 protein (p.Arg516Gln). This variant is present in population databases (rs771427655, gnomAD 0.01%). This variant has not been reported in the literature in individuals affected with IFT122-related conditions. Algorithms developed to predict the effect of missense changes on protein structure and function are either unavailable or do not agree on the potential impact of this missense change (SIFT: "Deleterious"; PolyPhen-2: "Possibly Damaging"; Align-GVGD: "Class C0"). In summary, the available evidence is currently insufficient to determine the role of this variant in disease. Therefore, it has been classified as a Variant of Uncertain Significance.

NM_052989.3(IFT122):c.1394G>A (p.Arg465Gln)

Gene: IFT122 (intraflagellar transport 122; plus strand). Cytogenetic location: 3q21.3.
Variant type: single nucleotide variant.
Coding change: c.1394G>A on transcript NM_052989.3 (MANE Select); coding-DNA position 1394, G replaced by A.
Protein change: p.Arg465Gln; replaces arginine 465 with glutamine.
Molecular consequence: missense variant.
Genome position (GRCh38, 1-based): chr3:129,479,828, G>A. VCF-style: chr3-129479828-G-A. GRCh37 (hg19) VCF-style: chr3-129198671-G-A.
Other names: c.1394G>A, p.Arg465Gln (NM_001410808.1, NM_001410809.1); c.1217G>A, p.Arg406Gln (NM_001410810.1, NM_001410811.1, NM_001410813.1 and 1 more transcripts); c.1061G>A, p.Arg354Gln (NM_001410815.1, NM_001410817.1, NM_052990.3); c.1547G>A, p.Arg516Gln (NM_052985.4); c.1370G>A, p.Arg457Gln (NM_001280541.2); c.944G>A, p.Arg315Gln (NM_001280545.2); c.767G>A, p.Arg256Gln (NM_001280546.2); c.1547G>A (NM_052985.2); short protein forms R465Q, R457Q, R354Q, R406Q, R256Q, R315Q, R516Q.
Identifiers: ClinVar variation 2048075 (VCV002048075.4), dbSNP rs771427655, ClinGen allele CA2606154.
Genomic context (GRCh38, chr3:129,479,828, plus strand): 5'-CTGGGTTTGCTTCCTAGGAGAAACGGCTGCAGTGCCTGTCCTTCAGCGGAGTGAAGGAGC[G>A]GGAGTGGCAGATGGAGTCTCTCATTCGTTACATCAAGGTGATCGGTGGCCCTCCTGGAAG-3'
Protein context (NP_443715.1, residues 455-475): QCLSFSGVKE[Arg465Gln]EWQMESLIRY